The following is an entry in ClinVar:

NM_213622.4(STAMBP):c.32C>T (p.Pro11Leu)

Genes: STAMBP (STAM binding protein; plus strand), LOC126806253 (CDK7 strongly-dependent group 2 enhancer GRCh37_chr2:74057585-74058784; plus strand). Cytogenetic location: 2p13.1.
Variant type: single nucleotide variant.
Coding change: c.32C>T on transcript NM_213622.4 (MANE Select); coding-DNA position 32, C replaced by T.
Protein change: p.Pro11Leu; replaces proline 11 with leucine.
Molecular consequence: missense variant. On other transcripts: 5 prime UTR variant (5), non-coding transcript variant (4), intron variant (1).
Genome position (GRCh38, 1-based): chr2:73,830,888, C>T. VCF-style: chr2-73830888-C-T. GRCh37 (hg19) VCF-style: chr2-74058015-C-T.
Other names: c.32C>T, p.Pro11Leu (NM_001353967.2, NM_001353968.2, NM_001353969.2 and 3 more transcripts); c.-522C>T (NM_001353971.2, NM_001353973.2, NM_001353974.2 and 2 more transcripts); c.-203+1892C>T (NM_001353972.2); short protein forms P11L.
Identifiers: ClinVar variation 2576825 (VCV002576825.1), dbSNP rs2466264635, ClinGen allele CA347303352.

ClinVar aggregate classification (germline): Uncertain significance (1 of 4 stars; one submission).

Submission:

GeneDx
Classification: Uncertain significance. Last evaluated: 2023-02-16. Review status: criteria provided, single submitter. Criteria: GeneDx Variant Classification Process June 2021. Collection method: clinical testing. Allele origin: germline. Affected: yes.
Comment: Not observed at significant frequency in large population cohorts (gnomAD); In silico analysis supports that this missense variant has a deleterious effect on protein structure/function; Has not been previously published as pathogenic or benign to our knowledge